The following is an entry in ClinVar:

ClinVar aggregate classification (germline): Uncertain significance (1 of 4 stars; one submission).

Submission:

GeneDx
Classification: Uncertain significance. Last evaluated: 2026-03-16. Review status: criteria provided, single submitter. Criteria: GeneDx Variant Classification Process June 2021. Collection method: clinical testing. Allele origin: germline.
Comment: Not observed at significant frequency in large population cohorts (gnomAD); In silico analysis suggests that this missense variant does not alter protein structure/function; Has not been previously published as pathogenic or benign to our knowledge; Reported using an alternate transcript of the gene

NM_000238.4(KCNH2):c.2398+30G>A

Gene: KCNH2 (potassium voltage-gated channel subfamily H member 2; minus strand). Cytogenetic location: 7q36.1.
Variant type: single nucleotide variant.
Coding change: c.2398+30G>A on transcript NM_000238.4 (MANE Select); 30 bases into the intron after coding-DNA position 2398, G replaced by A.
Molecular consequence: intron variant. On other transcripts: missense variant (5).
Genome position (GRCh38, 1-based): chr7:150,950,138, C>T on the plus strand (G>A on the coding strand, the complement: KCNH2 is on the minus strand). VCF-style: chr7-150950138-C-T. GRCh37 (hg19) VCF-style: chr7-150647226-C-T.
Other names: c.1408G>A, p.Glu470Lys (NM_001204798.2); c.2251G>A, p.Glu751Lys (NM_001406755.1); c.2140G>A, p.Glu714Lys (NM_001406756.1); c.2128G>A, p.Glu710Lys (NM_001406757.1); c.2428G>A, p.Glu810Lys (NM_172056.3); c.2110+30G>A (NM_001406753.1); c.1378+30G>A (NM_172057.3); short protein forms E714K, E810K, E751K, E470K, E710K.
Identifiers: ClinVar variation 5009103 (VCV005009103.1).
Genomic context (GRCh38, chr7:150,950,138, plus strand): 5'-ACAGCCCCAGTGACTGCATATTCAGAAGGCTCGCACCTCTTGAGGCTGCAGAGGGCATTT[C>T]CAGTCCAGTGCCCGCCCCCCACCCCATACCCAGGATGGCCACGACGACGTCGCCCCGCAG-3'